The following is an entry in ClinVar:

ClinVar aggregate classification (germline): Uncertain significance. Review status: criteria provided, multiple submitters, no conflicts (2 of 4 stars). 2 submissions from 2 submitters: Uncertain significance (2). Last evaluated 2024-02-22.

Conditions:
Multiple endocrine neoplasia, type 2 (MEN2). Identifiers: Orphanet 653, MedGen C4048306, MONDO:0019003. Disease mechanism: gain of function.

Submissions (2):

All of Us Research Program, National Institutes of Health
Classification: Uncertain significance for Multiple endocrine neoplasia, type 2. Last evaluated: 2024-02-22. Review status: criteria provided, single submitter. Criteria: ACMG Guidelines, 2015. Collection method: clinical testing. Allele origin: germline. Inheritance: Autosomal dominant inheritance. Observed: 1 variant allele, 1 heterozygote.
Comment: This missense variant replaces lysine with asparagine at codon 549 of the RET protein. Computational prediction suggests that this variant may not impact protein structure and function (internally defined REVEL score threshold <= 0.5, PMID: 27666373). To our knowledge, functional studies have not been reported for this variant. This variant has not been reported in individuals affected with RET-related disorders in the literature. This variant has not been identified in the general population by the Genome Aggregation Database (gnomAD). The available evidence is insufficient to determine the role of this variant in disease conclusively. Therefore, this variant is classified as a Variant of Uncertain Significance.

This study involves interpretation of variants in research participants for the purpose of population health screening. Participant phenotype was not available at the time of variant classification. Additional details can be found in publication PMID: 35346344, PMCID: PMC8962531

Labcorp Genetics (formerly Invitae), Labcorp
Classification: Uncertain significance for Multiple endocrine neoplasia, type 2. Last evaluated: 2023-04-10. Review status: criteria provided, single submitter. Criteria: Invitae Variant Classification Sherloc (09022015). Collection method: clinical testing. Allele origin: germline.
Comment: In summary, the available evidence is currently insufficient to determine the role of this variant in disease. Therefore, it has been classified as a Variant of Uncertain Significance. An algorithm developed to predict the effect of missense changes on protein structure and function (PolyPhen-2) suggests that this variant is likely to be disruptive. This variant has not been reported in the literature in individuals affected with RET-related conditions. This variant is not present in population databases (gnomAD no frequency). This sequence change replaces lysine, which is basic and polar, with asparagine, which is neutral and polar, at codon 549 of the RET protein (p.Lys549Asn).

NM_020975.6(RET):c.1647A>C (p.Lys549Asn)

Gene: RET (ret proto-oncogene; plus strand). Cytogenetic location: 10q11.21.
Variant type: single nucleotide variant.
Coding change: c.1647A>C on transcript NM_020975.6 (MANE Select); coding-DNA position 1647, A replaced by C.
Protein change: p.Lys549Asn; replaces lysine 549 with asparagine.
Molecular consequence: missense variant.
Genome position (GRCh38, 1-based): chr10:43,112,223, A>C. VCF-style: chr10-43112223-A-C. GRCh37 (hg19) VCF-style: chr10-43607671-A-C.
Other names: c.750A>C, p.Lys250Asn (NM_001406779.1, NM_001406780.1, NM_001406781.1 and 3 more transcripts); c.462A>C, p.Lys154Asn (NM_001406791.1, NM_001406788.1, NM_001406789.1 and 1 more transcripts); c.198A>C, p.Lys66Asn (NM_001406792.1, NM_001406793.1, NM_001406794.1); c.1647A>C, p.Lys549Asn (NM_020629.2, NM_020630.7, NM_000323.2 and 6 more transcripts); c.885A>C, p.Lys295Asn (NM_001355216.2); c.1518A>C, p.Lys506Asn (NM_001406761.1, NM_001406762.1, NM_001406764.1 and 1 more transcripts); c.1359A>C, p.Lys453Asn (NM_001406766.1, NM_001406767.1, NM_001406770.1); c.1251A>C, p.Lys417Asn (NM_001406769.1, NM_001406772.1); and 5 more; short protein forms K295N, K417N, K453N, K549N, K374N, K207N, K307N, K403N.
Identifiers: ClinVar variation 2733455 (VCV002733455.4), dbSNP rs772784061, ClinGen allele CA034723.